The following is an entry in ClinVar:

NM_032043.3(BRIP1):c.3403G>C (p.Glu1135Gln)

Gene: BRIP1 (BRCA1 interacting DNA helicase 1; minus strand). Cytogenetic location: 17q23.2.
Variant type: single nucleotide variant.
Coding change: c.3403G>C on transcript NM_032043.3 (MANE Select); coding-DNA position 3403, G replaced by C.
Protein change: p.Glu1135Gln; replaces glutamic acid 1135 with glutamine.
Molecular consequence: missense variant.
Genome position (GRCh38, 1-based): chr17:61,683,643, C>G on the plus strand (G>C on the coding strand, the complement: BRIP1 is on the minus strand). VCF-style: chr17-61683643-C-G. GRCh37 (hg19) VCF-style: chr17-59761004-C-G.
Other names: short protein forms E1135Q.
Identifiers: ClinVar variation 489832 (VCV000489832.6), dbSNP rs369340444, ClinGen allele CA400478806.

ClinVar aggregate classification (germline): Uncertain significance. Review status: criteria provided, single submitter (1 of 4 stars). 2 submissions from 2 submitters: Uncertain significance (1). 1 of the submissions does not count toward it. Last evaluated 2024-11-18.

Conditions:
Hereditary cancer-predisposing syndrome. Also called: Hereditary Cancer Syndrome; Neoplastic Syndromes, Hereditary; Tumor predisposition; Hereditary neoplastic syndrome. Identifiers: Orphanet 140162, MedGen C0027672, MeSH D009386, MONDO:0015356.

Allele frequency attached by ClinVar (database versions not stated): gnomAD below 0.00001 and 0.00001; gnomAD exomes below 0.00001.
gnomAD v4.1: 2 of 1,612,602 alleles (0.00012%); highest among the groups gnomAD compares: East Asian, 0.0022%; no homozygotes.

Submissions (2):

Color Diagnostics, LLC DBA Color Health
Classification: Uncertain significance for Hereditary cancer-predisposing syndrome. Last evaluated: 2024-11-18. Review status: criteria provided, single submitter. Criteria: ACMG Guidelines, 2015. Collection method: clinical testing. Allele origin: germline.
Comment: This missense variant replaces glutamic acid with glutamine at codon 1135 of the BRIP1 protein. Computational prediction suggests that this variant may not impact protein structure and function. To our knowledge, functional studies have not been reported for this variant. This variant has not been reported in individuals affected with BRIP1-related disorders in the literature. This variant has not been identified in the general population by the Genome Aggregation Database (gnomAD). The available evidence is insufficient to determine the role of this variant in disease conclusively. Therefore, this variant is classified as a Variant of Uncertain Significance.

Leiden Open Variation Database
Classification: Uncertain significance. Last evaluated: 2019-08-13. Review status: no assertion criteria provided. Collection method: curation. Allele origin: germline. Affected: yes. Not counted in ClinVar's aggregate classification.
Comment: Curator: Arleen D. Auerbach. Submitter to LOVD: Yukihide Momozawa.

Literature cited by the submitters: PubMed 31214711 (cited by Leiden Open Variation Database).